The following is an entry in ClinVar:

ClinVar aggregate classification (germline): Uncertain significance (1 of 4 stars; one submission).

Submission:

Labcorp Genetics (formerly Invitae), Labcorp
Classification: Uncertain significance. Last evaluated: 2025-12-18. Review status: criteria provided, single submitter. Criteria: Invitae Variant Classification Sherloc (09022015). Collection method: clinical testing. Allele origin: germline.
Comment: This sequence change replaces alanine, which is neutral and non-polar, with valine, which is neutral and non-polar, at codon 167 of the FZD2 protein (p.Ala167Val). This variant is present in population databases (rs759427364, gnomAD 0.01%). This variant has not been reported in the literature in individuals affected with FZD2-related conditions. An algorithm developed to predict the effect of missense changes on protein structure and function (PolyPhen-2) suggests that this variant is likely to be tolerated. In summary, the available evidence is currently insufficient to determine the role of this variant in disease. Therefore, it has been classified as a Variant of Uncertain Significance.

NM_001466.4(FZD2):c.500C>T (p.Ala167Val)

Gene: FZD2 (frizzled class receptor 2; plus strand). Cytogenetic location: 17q21.31.
Variant type: single nucleotide variant.
Coding change: c.500C>T on transcript NM_001466.4 (MANE Select); coding-DNA position 500, C replaced by T.
Protein change: p.Ala167Val; replaces alanine 167 with valine.
Molecular consequence: missense variant.
Genome position (GRCh38, 1-based): chr17:44,558,188, C>T. VCF-style: chr17-44558188-C-T. GRCh37 (hg19) VCF-style: chr17-42635556-C-T.
Other names: short protein forms A167V.
Identifiers: ClinVar variation 4753466 (VCV004753466.1).